The following is an entry in ClinVar:

NM_147127.5(EVC2):c.1069G>T (p.Asp357Tyr)

Gene: EVC2 (EvC ciliary complex subunit 2; minus strand). Cytogenetic location: 4p16.2.
Variant type: single nucleotide variant.
Coding change: c.1069G>T on transcript NM_147127.5 (MANE Select); coding-DNA position 1069, G replaced by T.
Protein change: p.Asp357Tyr; replaces aspartic acid 357 with tyrosine.
Molecular consequence: missense variant.
Genome position (GRCh38, 1-based): chr4:5,663,183, C>A on the plus strand (G>T on the coding strand, the complement: EVC2 is on the minus strand). VCF-style: chr4-5663183-C-A. GRCh37 (hg19) VCF-style: chr4-5664910-C-A.
Other names: c.829G>T, p.Asp277Tyr (NM_001166136.2); short protein forms D277Y, D357Y.
Identifiers: ClinVar variation 3762809 (VCV003762809.2).
Genomic context (GRCh38, chr4:5,663,183, plus strand): 5'-GCATGCTCCCAGGGTCCTCGGAAGACAGAATGTCTATCATTTGGTCGTTAAGGGAAAGGT[C>A]CTCATTCACGCCATCAGCTGAGGTGAACGGCAAGGGTTCCAGCTTGCTCTCATACTGCCA-3'
Protein context (NP_667338.3, residues 347-367): PFTSADGVNE[Asp357Tyr]LSLNDQMIDI

ClinVar aggregate classification (germline): Uncertain significance (1 of 4 stars; one submission).

Conditions:
Curry-Hall syndrome (WAD). Also called: WEYERS ACRODENTAL DYSOSTOSIS. Identifiers: Orphanet 952, MedGen C0457013, MONDO:0008673, OMIM 193530.
Ellis-van Creveld syndrome (EVC). Also called: EVC-Related Ellis-van Creveld Syndrome; EVC2-Related Ellis-van Creveld Syndrome; MESOECTODERMAL DYSPLASIA; Chondroectodermal dysplasia. Identifiers: Orphanet 289, MedGen C0013903, MONDO:0009162, OMIM 225500.

Submission:

Labcorp Genetics (formerly Invitae), Labcorp
Classification: Uncertain significance for Curry-Hall syndrome; Ellis-van Creveld syndrome. Last evaluated: 2024-06-03. Review status: criteria provided, single submitter. Criteria: Invitae Variant Classification Sherloc (09022015). Collection method: clinical testing. Allele origin: germline.
Comment: This sequence change replaces aspartic acid, which is acidic and polar, with tyrosine, which is neutral and polar, at codon 357 of the EVC2 protein (p.Asp357Tyr). This variant is present in population databases (rs376321782, gnomAD 0.01%). This variant has not been reported in the literature in individuals affected with EVC2-related conditions. An algorithm developed to predict the effect of missense changes on protein structure and function (PolyPhen-2) suggests that this variant is likely to be disruptive. In summary, the available evidence is currently insufficient to determine the role of this variant in disease. Therefore, it has been classified as a Variant of Uncertain Significance.